The following is an entry in ClinVar:

NM_002860.4(ALDH18A1):c.973G>A (p.Val325Ile)

Gene: ALDH18A1 (aldehyde dehydrogenase 18 family member A1; minus strand). Cytogenetic location: 10q24.1.
Variant type: single nucleotide variant.
Coding change: c.973G>A on transcript NM_002860.4 (MANE Select); coding-DNA position 973, G replaced by A.
Protein change: p.Val325Ile; replaces valine 325 with isoleucine.
Molecular consequence: missense variant.
Genome position (GRCh38, 1-based): chr10:95,627,547, C>T on the plus strand (G>A on the coding strand, the complement: ALDH18A1 is on the minus strand). VCF-style: chr10-95627547-C-T. GRCh37 (hg19) VCF-style: chr10-97387304-C-T.
Other names: p.Val325Ile; c.967G>A, p.Val323Ile (NM_001017423.2, NM_001323415.2); c.640G>A, p.Val214Ile (NM_001323412.2, NM_001323416.2); c.973G>A, p.Val325Ile (NM_001323413.2, NM_001323414.2); c.868G>A, p.Val290Ile (NM_001323417.2); c.634G>A, p.Val212Ile (NM_001323418.2); c.337G>A, p.Val113Ile (NM_001323419.2); short protein forms V113I, V214I, V323I, V325I, V212I, V290I.
Identifiers: ClinVar variation 877932 (VCV000877932.20), dbSNP rs192770256, ClinGen allele CA5620453.

ClinVar aggregate classification (germline): Uncertain significance. Review status: criteria provided, multiple submitters, no conflicts (2 of 4 stars). 6 submissions from 6 submitters: Uncertain significance (5). 1 of the submissions does not count toward it. Last evaluated 2026-02-01.

Conditions:
ALDH18A1-related disorder. Also called: ALDH18A1-related disorders.
Hereditary spastic paraplegia. Also called: Familial spastic paraparesis. Identifiers: Orphanet 685, MedGen C0037773, MONDO:0019064. Disease mechanism: loss of function.
ALDH18A1-related de Barsy syndrome. Also called: Cutis laxa, autosomal recessive IIIA; DE BARSY SYNDROME A. Identifiers: Orphanet 2962, Orphanet 35664, MedGen C5234852, MONDO:0009053, OMIM 219150.
Autosomal dominant spastic paraplegia type 9. Identifiers: MedGen C1832669, MONDO:0015091.
de Barsy syndrome. Also called: Cutis laxa-corneal clouding-oligophrenia syndrome. Identifiers: Orphanet 2962, MedGen C0268354, MONDO:0017569.
Cutis laxa, autosomal dominant 3 (ADCL3). Identifiers: Orphanet 90348, MedGen C4225268, MONDO:0014706, OMIM 616603.

Allele frequency attached by ClinVar (database versions not stated): gnomAD exomes 0.00014 and 0.00006; TOPMed 0.00006; ExAC 0.00001; gnomAD 0.00007; ESP Exome Variant Server 0.00008; 1000 Genomes Project 30x 0.00016; 1000 Genomes Project 0.00020.
gnomAD v4.1: 216 of 1,614,128 alleles (0.013%); highest among the groups gnomAD compares: Non-Finnish European, 0.017%; no homozygotes.

Submissions (6):

Labcorp Genetics (formerly Invitae), Labcorp
Classification: Uncertain significance for Autosomal dominant spastic paraplegia type 9; de Barsy syndrome; Cutis laxa, autosomal dominant 3. Last evaluated: 2026-02-01. Review status: criteria provided, single submitter. Criteria: Invitae Variant Classification Sherloc (09022015). Collection method: clinical testing. Allele origin: germline.
Comment: This sequence change replaces valine, which is neutral and non-polar, with isoleucine, which is neutral and non-polar, at codon 325 of the ALDH18A1 protein (p.Val325Ile). This variant is present in population databases (rs192770256, gnomAD 0.01%). This variant has not been reported in the literature in individuals affected with ALDH18A1-related conditions. ClinVar contains an entry for this variant (Variation ID: 877932). Invitae Evidence Modeling of protein sequence and biophysical properties (such as structural, functional, and spatial information, amino acid conservation, physicochemical variation, residue mobility, and thermodynamic stability) has been performed for this missense variant. However, the output from this modeling did not meet the statistical confidence thresholds required to predict the impact of this variant on ALDH18A1 protein function. In summary, the available evidence is currently insufficient to determine the role of this variant in disease. Therefore, it has been classified as a Variant of Uncertain Significance.

Mayo Clinic Laboratories, Mayo Clinic
Classification: Uncertain significance. Last evaluated: 2025-03-12. Review status: criteria provided, single submitter. Criteria: ACMG Guidelines, 2015. Collection method: clinical testing. Allele origin: germline. Observed: 1 variant allele.

GeneDx
Classification: Uncertain significance. Last evaluated: 2023-10-19. Review status: criteria provided, single submitter. Criteria: GeneDx Variant Classification Process June 2021. Collection method: clinical testing. Allele origin: germline. Affected: yes.
Comment: Has not been previously published as pathogenic or benign to our knowledge; In silico analysis supports that this missense variant does not alter protein structure/function

Genome Diagnostics Laboratory, The Hospital for Sick Children
Classification: Uncertain significance for Hereditary spastic paraplegia. Last evaluated: 2020-04-01. Review status: criteria provided, single submitter. Criteria: ACMG Guidelines, 2015. Collection method: clinical testing. Allele origin: germline. Affected: yes.

Illumina Laboratory Services, Illumina
Classification: Uncertain significance for ALDH18A1-related de Barsy syndrome. Last evaluated: 2018-01-13. Review status: criteria provided, single submitter. Criteria: ICSL Variant Classification Criteria 13 December 2019. Collection method: clinical testing. Allele origin: germline.

PreventionGenetics, part of Exact Sciences
Classification: Uncertain significance for ALDH18A1-related condition. Last evaluated: 2024-09-16. Review status: no assertion criteria provided. Collection method: clinical testing. Allele origin: germline. Not counted in ClinVar's aggregate classification.
Comment: The ALDH18A1 c.973G>A variant is predicted to result in the amino acid substitution p.Val325Ile. To our knowledge, this variant has not been reported in the literature. This variant is reported in 0.013% of alleles in individuals of European (Non-Finnish) descent in gnomAD. At this time, the clinical significance of this variant is uncertain due to the absence of conclusive functional and genetic evidence.